The following is an entry in ClinVar:

NM_025114.4(CEP290):c.1523-7A>G

Gene: CEP290 (centrosomal protein 290; minus strand). Cytogenetic location: 12q21.32.
Variant type: single nucleotide variant.
Coding change: c.1523-7A>G on transcript NM_025114.4 (MANE Select); 7 bases into the intron before coding-DNA position 1523, A replaced by G.
Molecular consequence: intron variant.
Genome position (GRCh38, 1-based): chr12:88,118,750, T>C on the plus strand (A>G on the coding strand, the complement: CEP290 is on the minus strand). VCF-style: chr12-88118750-T-C. GRCh37 (hg19) VCF-style: chr12-88512527-T-C.
Other names: c.1523-7A>G (NM_025114.3).
Identifiers: ClinVar variation 1123368 (VCV001123368.10), dbSNP rs1413722193, ClinGen allele CA606675808.
Genomic context (GRCh38, chr12:88,118,750, plus strand): 5'-AGTGTTTGCTATTTCTAAATTCAGTTAAATCAATCATTGTCTTTGGTTCAAGGCCTACAA[T>C]AGAAAGCAATATAATTAAAAACTTAAAAACATTCAAATAAGCTGCAAAAATGTCATATAC-3'

ClinVar aggregate classification (germline): Likely benign. Review status: criteria provided, single submitter (1 of 4 stars). 2 submissions from 2 submitters: Likely benign (1). 1 of the submissions does not count toward it. Last evaluated 2025-06-12.

Conditions:
CEP290-related disorder. Also called: CEP290-related disorders; CEP290-related condition. Identifiers: MedGen CN239314.
Joubert syndrome. Also called: CEREBELLOPARENCHYMAL DISORDER IV; JOUBERT-BOLTSHAUSER SYNDROME; Familial aplasia of the vermis. Identifiers: Orphanet 475, MedGen C5979921, MONDO:0018772.
Nephronophthisis. Also called: Juvenile Nephronophthisis. Identifiers: Orphanet 655, MedGen C0687120, MONDO:0019005, HP:0000090.
Meckel-Gruber syndrome. Also called: DYSENCEPHALIA SPLANCHNOCYSTICA; GRUBER SYNDROME; Dysencephalia splachnocystica. Identifiers: Orphanet 564, MedGen C0265215, MONDO:0018921.

Allele frequency attached by ClinVar (database versions not stated): gnomAD exomes below 0.00001; TOPMed below 0.00001; gnomAD 0.00001.
gnomAD v4.1: 3 of 1,583,246 alleles (0.00019%); highest among the groups gnomAD compares: African/African-American, 0.0027%; no homozygotes.

Submissions (2):

Labcorp Genetics (formerly Invitae), Labcorp
Classification: Likely benign for Joubert syndrome; Meckel-Gruber syndrome; Nephronophthisis. Last evaluated: 2025-06-12. Review status: criteria provided, single submitter. Criteria: Invitae Variant Classification Sherloc (09022015). Collection method: clinical testing. Allele origin: germline.

PreventionGenetics, part of Exact Sciences
Classification: Likely benign for CEP290-related condition. Last evaluated: 2023-05-04. Review status: no assertion criteria provided. Collection method: clinical testing. Allele origin: germline. Not counted in ClinVar's aggregate classification.
Comment: This variant is classified as likely benign based on ACMG/AMP sequence variant interpretation guidelines (Richards et al. 2015 PMID: 25741868, with internal and published modifications).